The following is an entry in ClinVar:

ClinVar aggregate classification (germline): Uncertain significance. Review status: criteria provided, multiple submitters, no conflicts (2 of 4 stars). 15 submissions from 15 submitters: Uncertain significance (10). 5 of the submissions do not count toward it. Last evaluated 2026-08-03.

Conditions:
MYH6-related disorder. Also called: MYH6-related condition; MYH6-Related Disorders.
Cardiovascular phenotype. Identifiers: MedGen CN230736.
Atrial septal defect 3 (ASD3). Identifiers: Orphanet 1478, MedGen C3279790, MONDO:0013567, OMIM 614089.
Hypertrophic cardiomyopathy 1 (CMH1). Also called: MYH7-Related Familial Hypertrophic Cardiomyopathy; Familial hypertrophic cardiomyopathy 1. Identifiers: MedGen C3495498, MONDO:0008647, OMIM 192600.
Dilated cardiomyopathy 1EE (CMD1EE). Identifiers: Orphanet 154, MedGen C2750466, MONDO:0013198, OMIM 613252.
Sick sinus syndrome 3, susceptibility to (SSS3). Identifiers: Orphanet 166282, MedGen C3279791, MONDO:0013568, OMIM 614090.
Hypertrophic cardiomyopathy 14. Identifiers: MedGen C2750467, MONDO:0013197, OMIM 613251.

Allele frequency attached by ClinVar (database versions not stated): ExAC 0.00002; TOPMed 0.00007.
gnomAD v4.1: 142 of 1,613,966 alleles (0.0088%); highest among the groups gnomAD compares: Middle Eastern, 0.049%; no homozygotes.

Submissions (15):

PreventionGenetics, part of Exact Sciences
Classification: Uncertain significance for MYH6-related condition. Last evaluated: 2026-08-03. Review status: criteria provided, single submitter. Criteria: ACMG Guidelines, 2015. Collection method: clinical testing. Allele origin: germline.
Comment: The MYH6 c.4429C>T variant is predicted to result in the amino acid substitution p.Arg1477Cys. This variant has been reported as a variant of uncertain significance in individuals with hypertrophic cardiomyopathy or sudden cardiac arrest (Online Supplementary File 2, van Lint et al. 2019. PubMed ID: 30847666; Asatryan et al. 2019. PubMed ID: 30975432; Filatova et al. 2021. PubMed ID: 34598319). This variant is reported in 0.0062% of alleles in individuals of European (Non-Finnish) descent in gnomAD. At this time, the clinical significance of this variant is uncertain due to the absence of conclusive functional and genetic evidence.

Labcorp Genetics (formerly Invitae), Labcorp
Classification: Uncertain significance for Hypertrophic cardiomyopathy 14. Last evaluated: 2025-12-09. Review status: criteria provided, single submitter. Criteria: Invitae Variant Classification Sherloc (09022015). Collection method: clinical testing. Allele origin: germline.
Comment: This sequence change replaces arginine, which is basic and polar, with cysteine, which is neutral and slightly polar, at codon 1477 of the MYH6 protein (p.Arg1477Cys). This variant is present in population databases (rs201989347, gnomAD 0.006%). This missense change has been observed in individual(s) with MYH6-related conditions (PMID: 30847666, 34598319). ClinVar contains an entry for this variant (Variation ID: 191711). Invitae Evidence Modeling of protein sequence and biophysical properties (such as structural, functional, and spatial information, amino acid conservation, physicochemical variation, residue mobility, and thermodynamic stability) indicates that this missense variant is expected to disrupt MYH6 protein function with a positive predictive value of 80%. In summary, the available evidence is currently insufficient to determine the role of this variant in disease. Therefore, it has been classified as a Variant of Uncertain Significance.

GeneDx
Classification: Uncertain significance. Last evaluated: 2025-10-27. Review status: criteria provided, single submitter. Criteria: GeneDx Variant Classification Process June 2021. Collection method: clinical testing. Allele origin: germline. Affected: yes.
Comment: In silico analysis supports that this missense variant has a deleterious effect on protein structure/function; Observed in individuals with hypertrophic cardiomyopathy or sudden cardiac arrest in published literature (PMID: 30975432, 30847666, 34598319); This variant is associated with the following publications: (PMID: 23861362, 30975432, 30847666, 34598319, 24123366, 22194935)

ARUP Laboratories, Molecular Genetics and Genomics, ARUP Laboratories
Classification: Uncertain significance. Last evaluated: 2025-04-08. Review status: criteria provided, single submitter. Criteria: ARUP Molecular Germline Variant Investigation Process 2024. Collection method: clinical testing. Allele origin: germline.
Comment: The MYH6 c.4429C>T; p.Arg1477Cys variant (rs201989347, ClinVar Variation ID 191711) is reported in the literature in individuals affected with hypertrophic cardiomyopathy (Filatova 2021) or sudden cardiac arrest (Asatryan 2019). Additionally, other variants at this codon, p.Arg1477His and p.Arg1477Leu, have been reported in individuals with affected with left ventricular noncompaction (Mazzarotto 2021) and Wolff-Parkinson-White syndrome (Coban-Akdemir 2020), respectively. The p.Arg1477Cys variant is found in the general population with an overall allele frequency of 0.003% (8/251,218 alleles) in the Genome Aggregation Database (v2.1.1). Computational analyses are uncertain whether this variant is neutral or deleterious (REVEL: 0.693). Due to limited information, the clinical significance of the p.Arg1477Cys variant is uncertain at this time. References: Asatryan B et al. Usefulness of Genetic Testing in Sudden Cardiac Arrest Survivors With or Without Previous Clinical Evidence of Heart Disease. Am J Cardiol. 2019 Jun 15;123(12):2031-2038. PMID: 30975432. Coban-Akdemir ZH et al. Wolff-Parkinson-White syndrome: De novo variants and evidence for mutational burden in genes associated with atrial fibrillation. Am J Med Genet A. 2020 Jun;182(6):1387-1399. PMID: 32233023. Filatova EV et al. Targeted exome analysis of Russian patients with hypertrophic cardiomyopathy. Mol Genet Genomic Med. 2021 Nov;9(11):e1808. PMID: 34598319. Mazzarotto F et al. Systematic large-scale assessment of the genetic architecture of left ventricular noncompaction reveals diverse etiologies. Genet Med. 2021 May;23(5):856-864. PMID: 33500567.

Ambry Genetics
Classification: Uncertain significance for Cardiovascular phenotype. Last evaluated: 2025-03-20. Review status: criteria provided, single submitter. Criteria: Ambry Variant Classification Scheme 2023. Collection method: clinical testing. Allele origin: germline.
Comment: The p.R1477C variant (also known as c.4429C>T), located in coding exon 29 of the MYH6 gene, results from a C to T substitution at nucleotide position 4429. The arginine at codon 1477 is replaced by cysteine, an amino acid with highly dissimilar properties. This variant has been detected in a sudden cardiac arrest case and in cases with hypertrophic cardiomyopathy (HCM) or who underwent genetic testing for HCM (Asatryan B et al. Am J Cardiol, 2019 06;123:2031-2038; van Lint FHM et al. Neth Heart J, 2019 Jun;27:304-309; Filatova EV et al. Mol Genet Genomic Med, 2021 11;9:e1808)). This alteration has also been reported as a secondary cardiac variant in an exome cohort and has been detected in an additional exome cohort not selected for the presence of cardiovascular disease; however, clinical details were limited (Ng D et al. Circ Cardiovasc Genet, 2013 Aug;6:337-46; Rodriguez-Flores JL et al. Hum Mutat, 2014 Jan;35:105-16). This amino acid position is highly conserved in available vertebrate species. In addition, this alteration is predicted to be deleterious by in silico analysis. Since supporting evidence is limited at this time, the clinical significance of this alteration remains unclear.

Blueprint Genetics
Classification: Uncertain significance. Last evaluated: 2023-10-11. Review status: criteria provided, single submitter. Criteria: ACMG Guidelines, 2015. Collection method: clinical testing. Allele origin: germline.

Victorian Clinical Genetics Services, Murdoch Childrens Research Institute
Classification: Uncertain significance for Dilated cardiomyopathy 1EE. Last evaluated: 2022-09-02. Review status: criteria provided, single submitter. Criteria: ACMG Guidelines, 2015. Collection method: clinical testing. Allele origin: germline. Inheritance: Autosomal dominant inheritance. Affected: yes.
Comment: Based on the classification scheme VCGS_Germline_v1.3.4, this variant is classified as VUS-3B. Following criteria are met: 0105 - The mechanism of disease for this gene is not clearly established. (I) 0107 - This gene is associated with autosomal dominant disease. (I) 0112 - The condition associated with this gene has incomplete penetrance (PMID: 22194935). (I) 0115 - Variants in this gene are known to have variable expressivity (PMID: 22194935). (I) 0200 - Variant is predicted to result in a missense amino acid change from arginine to cysteine. (I) 0251 - This variant is heterozygous. (I) 0302 - Variant is present in gnomAD <0.001 for a dominant condition (v3: 8 heterozygotes, 0 homozygotes). (SP) 0309 - Multiple alternative amino acid changes at the same position have been observed in gnomAD (highest allele count in v3: 7 heterozygotes, 0 homozygotes). (I) 0501 - Missense variant consistently predicted to be damaging by multiple in silico tools or highly conserved with a major amino acid change. (SP) 0600 - Variant is located in the annotated myosin tail domain (DECIPHER). (I) 0710 - Other missense variants comparable to the one identified in this case have inconclusive previous evidence for pathogenicity. p.(Arg1477His), p.(Arg1477Leu) and p.(Arg1477Gly) have been classified as VUS by diagnostic laboratories in ClinVar. (I) 0809 - Previous evidence of pathogenicity for this variant is inconclusive. This classification is supported by multiple diagnostic laboratories in ClinVar. (I) 0905 - No published segregation evidence has been identified for this variant. (I) 1007 - No published functional evidence has been identified for this variant. (I) 1208 - Inheritance information for this variant is not currently available in this individual. (I) Legend: (SP) - Supporting pathogenic, (I) - Information, (SB) - Supporting benign

Fulgent Genetics
Classification: Uncertain significance for Hypertrophic cardiomyopathy 1; Hypertrophic cardiomyopathy 14; Dilated cardiomyopathy 1EE; Atrial septal defect 3; Sick sinus syndrome 3, susceptibility to. Last evaluated: 2021-11-15. Review status: criteria provided, single submitter. Criteria: ACMG Guidelines, 2015. Collection method: clinical testing. Allele origin: unknown.

Stanford Center for Inherited Cardiovascular Disease, Stanford University
Classification: Uncertain significance. Last evaluated: 2016-09-02. Review status: criteria provided, single submitter. Criteria: ACMG Guidelines, 2015. Collection method: provider interpretation. Allele origin: germline.

Biesecker Lab/Clinical Genomics Section, National Institutes of Health
Classification: Uncertain significance. Last evaluated: 2013-06-24. Review status: criteria provided, single submitter. Criteria: Ng et al. (Circ Cardiovasc Genet. 2013). Collection method: research. Allele origin: unknown. Observed: 1 variant allele. Study: ClinSeq.
Comment: The study set was not selected for affection status in relation to any cancer. Pathogenicity categories were based on literature curation. See Pubmed ID:23861362 for details.

Medical sequencing

Clinical Genetics DNA and cytogenetics Diagnostics Lab, Erasmus MC, Erasmus Medical Center
Classification: Uncertain significance. Review status: no assertion criteria provided. Collection method: clinical testing. Allele origin: germline. Affected: yes. Study: VKGL Data-share Consensus. Not counted in ClinVar's aggregate classification.

Clinical Genetics, Academic Medical Center
Classification: Uncertain significance. Review status: no assertion criteria provided. Collection method: clinical testing. Allele origin: germline. Affected: yes. Study: VKGL Data-share Consensus. Not counted in ClinVar's aggregate classification.

Diagnostic Laboratory, Department of Genetics, University Medical Center Groningen
Classification: Uncertain significance. Review status: no assertion criteria provided. Collection method: clinical testing. Allele origin: germline. Affected: yes. Study: VKGL Data-share Consensus. Not counted in ClinVar's aggregate classification.

Genome Diagnostics Laboratory, University Medical Center Utrecht
Classification: Uncertain significance. Review status: no assertion criteria provided. Collection method: clinical testing. Allele origin: germline. Affected: yes. Study: VKGL Data-share Consensus. Not counted in ClinVar's aggregate classification.

Laboratory of Diagnostic Genome Analysis, Leiden University Medical Center (LUMC)
Classification: Uncertain significance. Review status: no assertion criteria provided. Collection method: clinical testing. Allele origin: germline. Affected: yes. Study: VKGL Data-share Consensus. Not counted in ClinVar's aggregate classification.

Literature cited by the submitters: PubMed 30847666 (cited by Labcorp Genetics (formerly Invitae), Labcorp and Ambry Genetics); PubMed 34598319 (cited by Labcorp Genetics (formerly Invitae), Labcorp and Ambry Genetics); PubMed 23861362 (cited by Ambry Genetics); PubMed 24123366 (cited by Ambry Genetics); PubMed 30975432 (cited by Ambry Genetics and Victorian Clinical Genetics Services, Murdoch Childrens Research Institute); PubMed 31983221 (cited by Ambry Genetics); PubMed 22194935 (cited by Victorian Clinical Genetics Services, Murdoch Childrens Research Institute).

NM_002471.4(MYH6):c.4429C>T (p.Arg1477Cys)

Gene: MYH6 (myosin heavy chain 6; minus strand). Cytogenetic location: 14q11.2.
Variant type: single nucleotide variant.
Coding change: c.4429C>T on transcript NM_002471.4 (MANE Select); coding-DNA position 4429, C replaced by T.
Protein change: p.Arg1477Cys; replaces arginine 1477 with cysteine.
Molecular consequence: missense variant.
Genome position (GRCh38, 1-based): chr14:23,387,854, G>A on the plus strand (C>T on the coding strand, the complement: MYH6 is on the minus strand). VCF-style: chr14-23387854-G-A. GRCh37 (hg19) VCF-style: chr14-23857063-G-A.
Other names: short protein forms R1477C.
Identifiers: ClinVar variation 191711 (VCV000191711.34), dbSNP rs201989347, ClinGen allele CA237342.
Genomic context (GRCh38, chr14:23,387,854, plus strand): 5'-GGTGCTCCAGGGACTCCTCGTAGGCGTTCTTGAGCTTGAAGAGCTCTGTGCTGAGGGAGC[G>A]AGCCTCCTTCTGTGAGGACTCCAGCTCAGACTGCGACTCCTCATACTTCTGCTTCCACTC-3'
Protein context (NP_002462.2, residues 1467-1487): SELESSQKEA[Arg1477Cys]SLSTELFKLK